The following is an entry in ClinVar:

ClinVar aggregate classification (germline): Uncertain significance (1 of 4 stars; one submission).

Conditions:
Capillary malformation-arteriovenous malformation syndrome. Also called: Capillary malformation-arteriovenous malformation. Identifiers: Orphanet 137667, MedGen C1842180, MONDO:0012016.

Submission:

Labcorp Genetics (formerly Invitae), Labcorp
Classification: Uncertain significance for Capillary malformation-arteriovenous malformation syndrome. Last evaluated: 2025-04-20. Review status: criteria provided, single submitter. Criteria: Invitae Variant Classification Sherloc (09022015). Collection method: clinical testing. Allele origin: germline.
Comment: This sequence change replaces valine, which is neutral and non-polar, with leucine, which is neutral and non-polar, at codon 14 of the RASA1 protein (p.Val14Leu). This variant is not present in population databases (gnomAD no frequency). This variant has not been reported in the literature in individuals affected with RASA1-related conditions. An algorithm developed to predict the effect of missense changes on protein structure and function (PolyPhen-2) suggests that this variant is likely to be tolerated. In summary, the available evidence is currently insufficient to determine the role of this variant in disease. Therefore, it has been classified as a Variant of Uncertain Significance.

NM_002890.3(RASA1):c.40G>C (p.Val14Leu)

Gene: RASA1 (RAS p21 protein activator 1; plus strand). Cytogenetic location: 5q14.3.
Variant type: single nucleotide variant.
Coding change: c.40G>C on transcript NM_002890.3 (MANE Select); coding-DNA position 40, G replaced by C.
Protein change: p.Val14Leu; replaces valine 14 with leucine.
Molecular consequence: missense variant.
Genome position (GRCh38, 1-based): chr5:87,268,491, G>C. VCF-style: chr5-87268491-G-C. GRCh37 (hg19) VCF-style: chr5-86564308-G-C.
Other names: short protein forms V14L.
Identifiers: ClinVar variation 4744731 (VCV004744731.1).
Genomic context (GRCh38, chr5:87,268,491, plus strand): 5'-CAGAGTAGAGCGGGCTTCAACATGATGGCGGCCGAGGCCGGCAGTGAGGAGGGCGGCCCG[G>C]TAACAGCCGGAGCTGGAGGAGGCGGCGCGGCAGCGGGCTCCAGTGCCTATCCCGCAGTGT-3'
Protein context (NP_002881.1, residues 4-24): AEAGSEEGGP[Val14Leu]TAGAGGGGAA